The following is an entry in ClinVar:

ClinVar aggregate classification (germline): Uncertain significance. Review status: criteria provided, multiple submitters, no conflicts (2 of 4 stars). 2 submissions from 2 submitters: Uncertain significance (2). Last evaluated 2025-09-22.

Allele frequency attached by ClinVar (database versions not stated): TOPMed 0.00001; gnomAD 0.00001; gnomAD exomes 0.00004; ExAC 0.00002.

Submissions (2):

GeneDx
Classification: Uncertain significance. Last evaluated: 2025-09-22. Review status: criteria provided, single submitter. Criteria: GeneDx Variant Classification Process June 2021. Collection method: clinical testing. Allele origin: germline.
Comment: Identified in a patient with hyperinsulinism, however, no clinical information was provided (PMID: 32027066); In silico analysis suggests that this missense variant does not alter protein structure/function; This variant is associated with the following publications: (PMID: 40832409, 32027066)

Labcorp Genetics (formerly Invitae), Labcorp
Classification: Uncertain significance. Last evaluated: 2020-12-14. Review status: criteria provided, single submitter. Criteria: Invitae Variant Classification Sherloc (09022015). Collection method: clinical testing. Allele origin: germline.
Comment: This sequence change replaces lysine with glutamine at codon 222 of the KCNJ11 protein (p.Lys222Gln). The lysine residue is highly conserved and there is a small physicochemical difference between lysine and glutamine. This variant is present in population databases (rs747090537, ExAC 0.003%). This variant has not been reported in the literature in individuals with KCNJ11-related conditions. Algorithms developed to predict the effect of missense changes on protein structure and function are either unavailable or do not agree on the potential impact of this missense change (SIFT: "Deleterious"; PolyPhen-2: "Possibly Damaging"; Align-GVGD: "Class C0"). In summary, the available evidence is currently insufficient to determine the role of this variant in disease. Therefore, it has been classified as a Variant of Uncertain Significance.

NM_000525.4(KCNJ11):c.664A>C (p.Lys222Gln)

Gene: KCNJ11 (potassium inwardly rectifying channel subfamily J member 11; minus strand). Cytogenetic location: 11p15.1.
Variant type: single nucleotide variant.
Coding change: c.664A>C on transcript NM_000525.4 (MANE Select); coding-DNA position 664, A replaced by C.
Protein change: p.Lys222Gln; replaces lysine 222 with glutamine.
Molecular consequence: missense variant.
Genome position (GRCh38, 1-based): chr11:17,387,428, T>G on the plus strand (A>C on the coding strand, the complement: KCNJ11 is on the minus strand). VCF-style: chr11-17387428-T-G. GRCh37 (hg19) VCF-style: chr11-17408975-T-G.
Other names: c.403A>C, p.Lys135Gln (NM_001166290.2, NM_001377296.1, NM_001377297.1); c.664A>C (NM_000525.3); short protein forms K135Q, K222Q.
Identifiers: ClinVar variation 2146733 (VCV002146733.3), dbSNP rs747090537, ClinGen allele CA5902265.